The following is an entry in ClinVar:

ClinVar aggregate classification (germline): Uncertain significance. Review status: criteria provided, single submitter (1 of 4 stars). 2 submissions from 2 submitters: Uncertain significance (1). 1 of the submissions does not count toward it. Last evaluated 2021-08-20.

Conditions:
Cone-rod dystrophy. Also called: Cone-rod degeneration; Cone/cone-rod dystrophy. Identifiers: Orphanet 1872, MedGen C4085590, MONDO:0015993, HP:0000548.

Submissions (2):

Labcorp Genetics (formerly Invitae), Labcorp
Classification: Uncertain significance. Last evaluated: 2021-08-20. Review status: criteria provided, single submitter. Criteria: Invitae Variant Classification Sherloc (09022015). Collection method: clinical testing. Allele origin: germline.
Comment: In summary, the available evidence is currently insufficient to determine the role of this variant in disease. Therefore, it has been classified as a Variant of Uncertain Significance. This variant disrupts the p.Asp122 amino acid residue in CFAP410. Other variant(s) that disrupt this residue have been observed in individuals with CFAP410-related conditions (PMID: 27596865), which suggests that this may be a clinically significant amino acid residue. Algorithms developed to predict the effect of missense changes on protein structure and function are either unavailable or do not agree on the potential impact of this missense change (SIFT: "Deleterious"; PolyPhen-2: "Probably Damaging"; Align-GVGD: "Class C15"). ClinVar contains an entry for this variant (Variation ID: 812236). This missense change has been observed in individual(s) with clinical features of cone-rod dystrophy and/or retinitis pigmentosa (PMID: 31456290; Invitae). This variant is not present in population databases (ExAC no frequency). This sequence change replaces aspartic acid with asparagine at codon 122 of the CFAP410 protein (p.Asp122Asn). The aspartic acid residue is highly conserved and there is a small physicochemical difference between aspartic acid and asparagine.

Sharon lab, Hadassah-Hebrew University Medical Center
Classification: Likely pathogenic for Cone-rod degeneration. Last evaluated: 2019-06-23. Review status: no assertion criteria provided. Collection method: research. Allele origin: inherited. Affected: yes. Not counted in ClinVar's aggregate classification.

Literature cited by the submitters: PubMed 27596865 (cited by Labcorp Genetics (formerly Invitae), Labcorp); PubMed 31456290 (cited by Labcorp Genetics (formerly Invitae), Labcorp).

NM_004928.3(CFAP410):c.364G>A (p.Asp122Asn)

Gene: CFAP410 (cilia and flagella associated protein 410; minus strand). Cytogenetic location: 21q22.3.
Variant type: single nucleotide variant.
Coding change: c.364G>A on transcript NM_004928.3 (MANE Select); coding-DNA position 364, G replaced by A.
Protein change: p.Asp122Asn; replaces aspartic acid 122 with asparagine.
Molecular consequence: missense variant.
Genome position (GRCh38, 1-based): chr21:44,333,042, C>T on the plus strand (G>A on the coding strand, the complement: CFAP410 is on the minus strand). VCF-style: chr21-44333042-C-T. GRCh37 (hg19) VCF-style: chr21-45752925-C-T.
Other names: c.364G>A, p.Asp122Asn (NM_001271440.2, NM_001271441.2); c.241G>A, p.Asp81Asn (NM_001271442.1); short protein forms D81N, D122N.
Identifiers: ClinVar variation 812236 (VCV000812236.8), dbSNP rs1602079250, ClinGen allele CA410456171.
Genomic context (GRCh38, chr21:44,333,042, plus strand): 5'-CCTTCCAGGGATTGTTTTGGGAGGGCCGGTGACTCCGCTGCGGCCACCTACCCTGGTTGT[C>T]CAGCTTCTGTAGGCGCGGCAGGGTGCGCAGCACGGTCATGCGGTAGCGGTGGGGGCTGGT-3'
Protein context (NP_004919.1, residues 112-132): LRTLPRLQKL[Asp122Asn]NQAVTEEELS